The following is an entry in ClinVar:

NM_001177316.2(SLC34A3):c.1739C>T (p.Ala580Val)

Gene: SLC34A3 (solute carrier family 34 member 3; plus strand). Cytogenetic location: 9q34.3.
Variant type: single nucleotide variant.
Coding change: c.1739C>T on transcript NM_001177316.2 (MANE Select); coding-DNA position 1739, C replaced by T.
Protein change: p.Ala580Val; replaces alanine 580 with valine.
Molecular consequence: missense variant.
Genome position (GRCh38, 1-based): chr9:137,236,355, C>T. VCF-style: chr9-137236355-C-T. GRCh37 (hg19) VCF-style: chr9-140130807-C-T.
Other names: c.1739C>T, p.Ala580Val (NM_001177317.2, NM_080877.3); short protein forms A580V.
Identifiers: ClinVar variation 1001584 (VCV001001584.8), dbSNP rs373729595, ClinGen allele CA5365035.

ClinVar aggregate classification (germline): Uncertain significance (1 of 4 stars; one submission).

Allele frequency attached by ClinVar (database versions not stated): TOPMed below 0.00001; gnomAD exomes 0.00001; ExAC 0.00005; ESP Exome Variant Server 0.00009.
gnomAD v4.1: 9 of 1,540,762 alleles (0.00058%); highest among the groups gnomAD compares: Non-Finnish European, 0.00078%; no homozygotes.

Submission:

Labcorp Genetics (formerly Invitae), Labcorp
Classification: Uncertain significance. Last evaluated: 2020-08-05. Review status: criteria provided, single submitter. Criteria: Invitae Variant Classification Sherloc (09022015). Collection method: clinical testing. Allele origin: germline.
Comment: In summary, the available evidence is currently insufficient to determine the role of this variant in disease. Therefore, it has been classified as a Variant of Uncertain Significance. Algorithms developed to predict the effect of sequence changes on RNA splicing suggest that this variant may create or strengthen a splice site, but this prediction has not been confirmed by published transcriptional studies. Algorithms developed to predict the effect of missense changes on protein structure and function output the following: SIFT: "Tolerated"; PolyPhen-2: "Benign"; Align-GVGD: "Class C0". The valine amino acid residue is found in multiple mammalian species, suggesting that this missense change does not adversely affect protein function. These predictions have not been confirmed by published functional studies and their clinical significance is uncertain. This variant has not been reported in the literature in individuals with SLC34A3-related conditions. This variant is present in population databases (rs373729595, ExAC 0.01%). This sequence change replaces alanine with valine at codon 580 of the SLC34A3 protein (p.Ala580Val). The alanine residue is weakly conserved and there is a small physicochemical difference between alanine and valine.